The following is an entry in ClinVar:

NM_007217.4(PDCD10):c.456T>G (p.Tyr152Ter)

Gene: PDCD10 (programmed cell death 10; minus strand). Cytogenetic location: 3q26.1.
Variant type: single nucleotide variant.
Coding change: c.456T>G on transcript NM_007217.4 (MANE Select); coding-DNA position 456, T replaced by G.
Protein change: p.Tyr152Ter; replaces tyrosine 152 with a stop codon.
Molecular consequence: nonsense.
Genome position (GRCh38, 1-based): chr3:167,687,633, A>C on the plus strand (T>G on the coding strand, the complement: PDCD10 is on the minus strand). VCF-style: chr3-167687633-A-C. GRCh37 (hg19) VCF-style: chr3-167405421-A-C.
Other names: c.456T>G, p.Tyr152Ter (NM_145859.2, NM_145860.2); short protein forms Y152*.
Identifiers: ClinVar variation 1458726 (VCV001458726.7), dbSNP rs976585767, ClinGen allele CA355154235.
Genomic context (GRCh38, chr3:167,687,633, plus strand): 5'-AACATCTAGGGTGTCAACTAGCAAGGCTTCTACTAAACGTACCCTGCGGTTCTGGTATTG[A>C]TATTTCTTGAAGACATTATTCACTGTATCAAGAAGTTCTTTTATTGCACTAGCTATATCC-3'

ClinVar aggregate classification (germline): Pathogenic/Likely pathogenic. Review status: criteria provided, multiple submitters, no conflicts (2 of 4 stars). 2 submissions from 2 submitters: Pathogenic (1); Likely pathogenic (1). Last evaluated 2024-10-16.

Conditions:
Cerebral cavernous malformation 3. Also called: Familial Cerebral Cavernous Malformation 3. Identifiers: Orphanet 221061, MedGen C1864040, MONDO:0011305, OMIM 603285.

Submissions (2):

Division of Genetic & Genomic Pathology, Hong Kong Children's Hospital
Classification: Likely pathogenic for Cerebral cavernous malformation 3. Last evaluated: 2024-10-16. Review status: criteria provided, single submitter. Criteria: ACMG Guidelines, 2015. Collection method: clinical testing. Allele origin: germline. Affected: yes.
Comment: The PDCD10 c.456T>G p.(Tyr152Ter) nonsense variant is located in exon 7 (out of 9 exons). It is predicted to cause loss of normal protein function either by protein truncation or nonsense-mediated mRNA decay. This variant is absent in population controls (gnomAD v4.1.0 and v2.1.1). It is deposited in ClinVar as pathogenic (accession no. VCV001458726.4) and reported in an individual with cerebral cavernous malformations (PMID: 23801932). Loss-of-function variants in PDCD10 are known to be pathogenic (PMID: 15543491, 18300272, 25122144). For these reasons, PDCD10 c.456T>G p.(Tyr152Ter) is classified as likely pathogenic.

Labcorp Genetics (formerly Invitae), Labcorp
Classification: Pathogenic for Cerebral cavernous malformation 3. Last evaluated: 2021-08-23. Review status: criteria provided, single submitter. Criteria: Invitae Variant Classification Sherloc (09022015). Collection method: clinical testing. Allele origin: germline.
Comment: For these reasons, this variant has been classified as Pathogenic. This premature translational stop signal has been observed in individual(s) with cerebral cavernous malformations (PMID: 23801932). This variant is not present in population databases (ExAC no frequency). This sequence change creates a premature translational stop signal (p.Tyr152*) in the PDCD10 gene. It is expected to result in an absent or disrupted protein product. Loss-of-function variants in PDCD10 are known to be pathogenic (PMID: 15543491, 18300272, 23801932).

Literature cited by the submitters: PubMed 23801932 (cited by Division of Genetic & Genomic Pathology, Hong Kong Children's Hospital and Labcorp Genetics (formerly Invitae), Labcorp); PubMed 15543491 (cited by Division of Genetic & Genomic Pathology, Hong Kong Children's Hospital and Labcorp Genetics (formerly Invitae), Labcorp); PubMed 18300272 (cited by Division of Genetic & Genomic Pathology, Hong Kong Children's Hospital and Labcorp Genetics (formerly Invitae), Labcorp); PubMed 25122144 (cited by Division of Genetic & Genomic Pathology, Hong Kong Children's Hospital).